The following is an entry in ClinVar:

NM_001267550.2(TTN):c.2075del (p.Lys692fs)

Gene: TTN (titin; minus strand). Cytogenetic location: 2q31.2.
Variant type: Deletion.
Coding change: c.2075del on transcript NM_001267550.2 (MANE Select); coding-DNA position 2075, one base deleted (A; older notation c.2075delA).
Protein change: p.Lys692fs; shifts the reading frame from lysine 692.
Molecular consequence: frameshift variant.
Genome position (GRCh38, 1-based): chr2:178,789,361, T deleted on the plus strand (A on the coding strand, the reverse complement: TTN is on the minus strand); the first of 3 consecutive T bases (chr2:178,789,361-178,789,363); deleting any one gives the same sequence. VCF-style (leftmost placement, unchanged base first): chr2-178789360-CT-C. GRCh37 (hg19) VCF-style: chr2-179654087-CT-C.
Other names: c.2075del, p.Lys692fs (NM_001256850.1, NM_133378.4, NM_133379.5); c.2073delA, p.Lys692Argfs (NM_001267550.1); c.1937del, p.Lys646fs (NM_003319.4, NM_133432.3, NM_133437.4); short protein forms K646fs, K692fs.
Identifiers: ClinVar variation 5017138 (VCV005017138.1).

ClinVar aggregate classification (germline): Uncertain significance (1 of 4 stars; one submission).

Submission:

GeneDx
Classification: Uncertain significance. Last evaluated: 2026-03-23. Review status: criteria provided, single submitter. Criteria: GeneDx Variant Classification Process June 2021. Collection method: clinical testing. Allele origin: germline.
Comment: Not observed at significant frequency in large population cohorts (gnomAD); Frameshift variant predicted to result in protein truncation or nonsense mediated decay in a gene or region of a gene for which loss of function is not a well-established mechanism of disease; Has not been previously published as pathogenic or benign to our knowledge